The following is an entry in ClinVar:

ClinVar aggregate classification (germline): Likely benign (1 of 4 stars; one submission).

Conditions:
PGM1-related disorder. Also called: PGM1-related disorders; PGM1-related condition.

Submission:

PreventionGenetics, part of Exact Sciences
Classification: Likely benign for PGM1-related condition. Last evaluated: 2024-12-10. Review status: criteria provided, single submitter. Criteria: ACMG Guidelines, 2015. Collection method: clinical testing. Allele origin: germline.
Comment: This variant is classified as likely benign based on ACMG/AMP sequence variant interpretation guidelines (Richards et al. 2015 PMID: 25741868, with internal and published modifications).

NM_002633.3(PGM1):c.261T>G (p.Val87=)

Gene: PGM1 (phosphoglucomutase 1; plus strand). Cytogenetic location: 1p31.3.
Variant type: single nucleotide variant.
Coding change: c.261T>G on transcript NM_002633.3 (MANE Select); coding-DNA position 261, T replaced by G.
Protein change: p.Val87=; no amino-acid change (valine 87 retained).
Molecular consequence: synonymous variant. On other transcripts: 5 prime UTR variant (1).
Genome position (GRCh38, 1-based): chr1:63,629,439, T>G. VCF-style: chr1-63629439-T-G. GRCh37 (hg19) VCF-style: chr1-64095110-T-G.
Other names: c.315T>G, p.Val105= (NM_001172818.1); c.-331T>G (NM_001172819.2).
Identifiers: ClinVar variation 4996840 (VCV004996840.1).